The following is an entry in ClinVar:

NM_032444.4(SLX4):c.4546G>A (p.Gly1516Arg)

Gene: SLX4 (SLX4 structure-specific endonuclease subunit; minus strand). Cytogenetic location: 16p13.3.
Variant type: single nucleotide variant.
Coding change: c.4546G>A on transcript NM_032444.4 (MANE Select); coding-DNA position 4546, G replaced by A.
Protein change: p.Gly1516Arg; replaces glycine 1516 with arginine.
Molecular consequence: missense variant.
Genome position (GRCh38, 1-based): chr16:3,589,092, C>T on the plus strand (G>A on the coding strand, the complement: SLX4 is on the minus strand). VCF-style: chr16-3589092-C-T. GRCh37 (hg19) VCF-style: chr16-3639093-C-T.
Other names: c.4546G>A (LRG_503t1); short protein forms G1516R.
Identifiers: ClinVar variation 319151 (VCV000319151.12), dbSNP rs775915651, ClinGen allele CA7865605.

ClinVar aggregate classification (germline): Uncertain significance. Review status: criteria provided, multiple submitters, no conflicts (2 of 4 stars). 4 submissions from 4 submitters: Uncertain significance (4). Last evaluated 2025-12-16.

Conditions:
Inborn genetic diseases. Identifiers: MedGen C0950123, MeSH D030342.
Fanconi anemia complementation group P. Also called: SLX4-Related Fanconi Anemia. Identifiers: Orphanet 84, MedGen C3469542, MONDO:0013499, OMIM 613951.
Fanconi anemia (FA). Also called: Fanconi's anemia. Identifiers: Orphanet 84, MedGen C0015625, MeSH D005199, MONDO:0019391.

Allele frequency attached by ClinVar (database versions not stated): gnomAD 0.00002 and 0.00001; gnomAD exomes 0.00002; TOPMed 0.00003; ExAC 0.00002.
gnomAD v4.1: 66 of 1,613,970 alleles (0.0041%); highest among the groups gnomAD compares: Non-Finnish European, 0.0052%; no homozygotes.

Submissions (4):

Ambry Genetics
Classification: Uncertain significance for Inborn genetic diseases. Last evaluated: 2025-12-16. Review status: criteria provided, single submitter. Criteria: Ambry Variant Classification Scheme 2023. Collection method: clinical testing. Allele origin: germline.

Labcorp Genetics (formerly Invitae), Labcorp
Classification: Uncertain significance for Fanconi anemia. Last evaluated: 2022-10-24. Review status: criteria provided, single submitter. Criteria: Invitae Variant Classification Sherloc (09022015). Collection method: clinical testing. Allele origin: germline.
Comment: This sequence change replaces glycine, which is neutral and non-polar, with arginine, which is basic and polar, at codon 1516 of the SLX4 protein (p.Gly1516Arg). This variant is present in population databases (rs775915651, gnomAD 0.004%). This variant has not been reported in the literature in individuals affected with SLX4-related conditions. ClinVar contains an entry for this variant (Variation ID: 319151). Algorithms developed to predict the effect of missense changes on protein structure and function are either unavailable or do not agree on the potential impact of this missense change (SIFT: "Tolerated"; PolyPhen-2: "Probably Damaging"; Align-GVGD: "Class C0"). In summary, the available evidence is currently insufficient to determine the role of this variant in disease. Therefore, it has been classified as a Variant of Uncertain Significance.

Fulgent Genetics
Classification: Uncertain significance for Fanconi anemia complementation group P. Last evaluated: 2021-11-27. Review status: criteria provided, single submitter. Criteria: ACMG Guidelines, 2015. Collection method: clinical testing. Allele origin: unknown.

Illumina Laboratory Services, Illumina
Classification: Uncertain significance for Fanconi anemia complementation group P. Last evaluated: 2018-01-13. Review status: criteria provided, single submitter. Criteria: ICSL Variant Classification Criteria 13 December 2019. Collection method: clinical testing. Allele origin: germline.